The following is an entry in ClinVar:

ClinVar aggregate classification (germline): Uncertain significance (1 of 4 stars; one submission).

Submission:

ISCA site 4
Classification: Uncertain significance. Last evaluated: 2011-08-12. Review status: criteria provided, single submitter. Criteria: Kaminsky et al. (Genet Med. 2011). Collection method: clinical testing. Allele origin: paternal. Affected: yes. Observed: 1 variant allele.
Comment: Copy number variation identified through the course of routine clinical cytogenomic testing in postnatal populations. Clinical assertions have been curated as described in Kaminsky et al. 2011.

GRCh38/hg38 4p14(chr4:39571714-40297938)x3

Genes: N4BP2 (NEDD4 binding protein 2; plus strand), PDS5A (PDS5 cohesin associated factor A; minus strand), RHOH (ras homolog family member H; plus strand), SMIM14 (small integral membrane protein 14; minus strand), SMIM14-DT (SMIM14 divergent transcript; plus strand) and 33 more. Cytogenetic location: 4p14.
Variant type: copy number gain.
Change: copy number 3 (three copies instead of two) of chr4:39,571,714-40,297,938 (726.2 kb, GRCh38 coordinates, 1-based), cytogenetic band 4p14.
Identifiers: ClinVar variation 57857 (VCV000057857.1).